The following is an entry in ClinVar:

ClinVar aggregate classification (germline): Uncertain significance (1 of 4 stars; one submission).

Submission:

Labcorp Genetics (formerly Invitae), Labcorp
Classification: Uncertain significance. Last evaluated: 2022-02-12. Review status: criteria provided, single submitter. Criteria: Invitae Variant Classification Sherloc (09022015). Collection method: clinical testing. Allele origin: germline.
Comment: In summary, the available evidence is currently insufficient to determine the role of this variant in disease. Therefore, it has been classified as a Variant of Uncertain Significance. Algorithms developed to predict the effect of missense changes on protein structure and function (SIFT, PolyPhen-2, Align-GVGD) all suggest that this variant is likely to be tolerated. This variant has not been reported in the literature in individuals affected with NPAS3-related conditions. This variant is not present in population databases (gnomAD no frequency). This sequence change replaces aspartic acid, which is acidic and polar, with asparagine, which is neutral and polar, at codon 511 of the NPAS3 protein (p.Asp511Asn).

NM_001164749.2(NPAS3):c.1570G>A (p.Asp524Asn)

Gene: NPAS3 (neuronal PAS domain protein 3; plus strand). Cytogenetic location: 14q13.1.
Variant type: single nucleotide variant.
Coding change: c.1570G>A on transcript NM_001164749.2 (MANE Select); coding-DNA position 1570, G replaced by A.
Protein change: p.Asp524Asn; replaces aspartic acid 524 with asparagine.
Molecular consequence: missense variant.
Genome position (GRCh38, 1-based): chr14:33,799,877, G>A. VCF-style: chr14-33799877-G-A. GRCh37 (hg19) VCF-style: chr14-34269083-G-A.
Other names: c.1480G>A, p.Asp494Asn (NM_001165893.2); c.1525G>A, p.Asp509Asn (NM_001394988.1); c.1471G>A, p.Asp491Asn (NM_001394989.1); c.1474G>A, p.Asp492Asn (NM_022123.3); c.1531G>A, p.Asp511Asn (NM_173159.3); short protein forms D494N, D511N, D509N, D524N, D491N, D492N.
Identifiers: ClinVar variation 2097122 (VCV002097122.4), dbSNP rs2549570846, ClinGen allele CA389411204.